The following is an entry in ClinVar:

NM_023110.3(FGFR1):c.-88-3566dup

Gene: FGFR1 (fibroblast growth factor receptor 1; minus strand). Cytogenetic location: 8p11.23.
Variant type: Duplication.
Coding change: c.-88-3566dup on transcript NM_023110.3 (MANE Select); 3566 bases into the intron before 88 bases upstream of the start codon, one base duplicated (G; older notation c.-88-3566dupG).
Molecular consequence: intron variant. On other transcripts: frameshift variant (1).
Genome position (GRCh38, 1-based): chr8:38,461,100, C duplicated on the plus strand (G on the coding strand, the reverse complement: FGFR1 is on the minus strand); the first of 2 consecutive C bases (chr8:38,461,100-38,461,101); duplicating either gives the same sequence. VCF-style (leftmost placement, unchanged base first): chr8-38461099-G-GC. GRCh37 (hg19) VCF-style: chr8-38318617-G-GC.
Other names: c.7dup, p.Ala3fs (NM_001174067.2); c.-88-3566dup (NM_001354368.2, NM_001354370.2, NM_023106.3 and 7 more transcripts); c.-180-3566dup (NM_001174064.2); c.-88-3566dupG (NM_023110.2); short protein forms A3fs.
Identifiers: ClinVar variation 591746 (VCV000591746.3), dbSNP rs1424371425, ClinGen allele CA581344513.
Genomic context (GRCh38, chr8:38,461,099, plus strand): 5'-AGCAGAGAGGGGGCACATCTCAGTTTCCCACTCATCAGAGGGGGCTGAAATACTTGCCTT[G>GC]CCTCCATCACAGGTGGTTATGAAGACTGAATGGGCTGCATGGGTGAAAGTGCCTGCTGTC-3'

ClinVar aggregate classification (germline): Uncertain significance. Review status: criteria provided, multiple submitters, no conflicts (2 of 4 stars). 3 submissions from 3 submitters: Uncertain significance (2). 1 of the submissions does not count toward it. Last evaluated 2022-04-04.

Conditions:
Hartsfield-Bixler-Demyer syndrome (HRTFDS). Also called: Holoprosencephaly, ectrodactyly, and bilateral cleft lip/palate; Hartsfield syndrome; FGFR1-Related Hartsfield Syndrome. Identifiers: Orphanet 2117, MedGen C1845146, MONDO:0014196, OMIM 615465. Disease mechanism: loss of function.
Hypogonadotropic hypogonadism 2 with or without anosmia (HH2). Also called: HYPOGONADOTROPIC HYPOGONADISM 2 WITHOUT ANOSMIA; HYPOGONADOTROPIC HYPOGONADISM 2 WITH OR WITHOUT ANOSMIA, SUSCEPTIBILITY TO; HYPOGONADOTROPIC HYPOGONADISM 2 WITHOUT ANOSMIA, SUSCEPTIBILITY TO; FGFR1-Related GnRH Deficiency (Kallmann Syndrome 2). Identifiers: Orphanet 478, MedGen C1563720, MONDO:0007844, OMIM 147950. Disease mechanism: loss of function.
Jackson-Weiss syndrome (JWS). Also called: CRANIOSYNOSTOSIS, MIDFACIAL HYPOPLASIA, AND FOOT ABNORMALITIES. Identifiers: Orphanet 1540, MedGen C0795998, MONDO:0007400, OMIM 123150. Disease mechanism: loss of function.
Encephalocraniocutaneous lipomatosis (ECCL). Identifiers: Orphanet 2396, MedGen C0406612, MONDO:0013074, OMIM 613001.
Pfeiffer syndrome (ACS5). Also called: ACS V. Identifiers: Orphanet 710, MedGen C0220658, MONDO:0007043, OMIM 101600.
Osteoglophonic dysplasia (OGD). Also called: Osteoglophonic dwarfism. Identifiers: Orphanet 2645, MedGen C0432283, MONDO:0008150, OMIM 166250.
Trigonocephaly 1 (TRIGNO1). Identifiers: Orphanet 3366, MedGen C0432122, MONDO:0008603, OMIM 190440.

Submissions (3):

Fulgent Genetics
Classification: Uncertain significance for Pfeiffer syndrome; Jackson-Weiss syndrome; Hypogonadotropic hypogonadism 2 with or without anosmia; Osteoglophonic dysplasia; Trigonocephaly 1; Encephalocraniocutaneous lipomatosis; Hartsfield-Bixler-Demyer syndrome. Last evaluated: 2022-04-04. Review status: criteria provided, single submitter. Criteria: ACMG Guidelines, 2015. Collection method: clinical testing. Allele origin: unknown.

Women's Health and Genetics/Laboratory Corporation of America, LabCorp
Classification: Uncertain significance. Last evaluated: 2020-02-11. Review status: criteria provided, single submitter. Criteria: LabCorp Variant Classification Summary - May 2015. Collection method: clinical testing. Allele origin: germline.
Comment: Variant summary: FGFR1 c.-88-3566dupG (NM_023110.2) is located in the untranslated mRNA region upstream of the initiation codon. The variant is found to cause a frameshift change under a different transcript (NM_001174067: c.7dupG, p.Ala3GlyfsX27). The variant allele was found at a frequency of 7.4e-05 in 134600 control chromosomes (gnomAD). To our knowledge, no occurrence of the variant in individuals affected with FGFR1-Related Disorders and no experimental evidence demonstrating its impact on protein function have been reported. A ClinVar submitter (evaluation after 2014) cites the variant as uncertain significance. Based on the evidence outlined above, the variant was classified as uncertain significance.

Gharavi Laboratory, Columbia University
Classification: Uncertain significance. Last evaluated: 2018-09-16. Review status: no assertion criteria provided. Criteria: ACMG Guidelines, 2015. Collection method: research. Allele origin: germline. Affected: yes. Not counted in ClinVar's aggregate classification.